The following is an entry in ClinVar:

ClinVar aggregate classification (germline): Uncertain significance (1 of 4 stars; one submission).

Conditions:
Hereditary cancer-predisposing syndrome. Also called: Neoplastic Syndromes, Hereditary; Tumor predisposition; Hereditary Cancer Syndrome; Hereditary neoplastic syndrome. Identifiers: Orphanet 140162, MedGen C0027672, MeSH D009386, MONDO:0015356.

Submission:

Ambry Genetics
Classification: Uncertain significance for Hereditary cancer-predisposing syndrome. Last evaluated: 2025-09-28. Review status: criteria provided, single submitter. Criteria: Ambry Variant Classification Scheme 2023. Collection method: clinical testing. Allele origin: germline.
Comment: The p.E1577D variant (also known as c.4731A>T), located in coding exon 15 of the APC gene, results from an A to T substitution at nucleotide position 4731. The glutamic acid at codon 1577 is replaced by aspartic acid, an amino acid with highly similar properties. This amino acid position is conserved. In addition, in silico predictors for this gene do not accurately predict pathogenicity. Based on the available evidence, the clinical significance of this variant remains unclear.

NM_000038.6(APC):c.4731A>T (p.Glu1577Asp)

Gene: APC (APC regulator of Wnt signaling pathway; plus strand). Cytogenetic location: 5q22.2.
Variant type: single nucleotide variant.
Coding change: c.4731A>T on transcript NM_000038.6 (MANE Select); coding-DNA position 4731, A replaced by T.
Protein change: p.Glu1577Asp; replaces glutamic acid 1577 with aspartic acid.
Molecular consequence: missense variant. On other transcripts: non-coding transcript variant (2).
Genome position (GRCh38, 1-based): chr5:112,840,325, A>T. VCF-style: chr5-112840325-A-T. GRCh37 (hg19) VCF-style: chr5-112176022-A-T.
Other names: c.4731A>T, p.Glu1577Asp (NM_001127510.3, NM_001354895.2, NM_001407450.1); c.4677A>T, p.Glu1559Asp (NM_001127511.3); c.4785A>T, p.Glu1595Asp (NM_001354896.2, NM_001407447.1, NM_001407448.1 and 1 more transcripts); c.4761A>T, p.Glu1587Asp (NM_001354897.2); c.4656A>T, p.Glu1552Asp (NM_001354898.2); c.4647A>T, p.Glu1549Asp (NM_001354899.2); c.4608A>T, p.Glu1536Asp (NM_001354900.2); c.4554A>T, p.Glu1518Asp (NM_001354901.2, NM_001407453.1); and 11 more; short protein forms E1587D, E1605D, E1486D, E1518D, E1536D, E1549D, E1570D, E1193D.
Identifiers: ClinVar variation 4579599 (VCV004579599.1).